The following is an entry in ClinVar:

ClinVar aggregate classification (germline): Uncertain significance. Review status: criteria provided, multiple submitters, no conflicts (2 of 4 stars). 2 submissions from 2 submitters: Uncertain significance (2). Last evaluated 2025-04-10.

Conditions:
Hereditary nonpolyposis colorectal neoplasms. Identifiers: MedGen C0009405, MeSH D003123.
Hereditary cancer-predisposing syndrome. Also called: Neoplastic Syndromes, Hereditary; Tumor predisposition; Hereditary Cancer Syndrome; Hereditary neoplastic syndrome. Identifiers: Orphanet 140162, MedGen C0027672, MeSH D009386, MONDO:0015356.

gnomAD v4.1: 1 of 1,578,734 alleles (0.000063%); highest among the groups gnomAD compares: Non-Finnish European, 0.000086%; no homozygotes.

Submissions (2):

Labcorp Genetics (formerly Invitae), Labcorp
Classification: Uncertain significance for Hereditary nonpolyposis colorectal neoplasms. Last evaluated: 2025-04-10. Review status: criteria provided, single submitter. Criteria: Invitae Variant Classification Sherloc (09022015). Collection method: clinical testing. Allele origin: germline.
Comment: This sequence change replaces proline, which is neutral and non-polar, with threonine, which is neutral and polar, at codon 982 of the MSH6 protein (p.Pro982Thr). This variant is not present in population databases (gnomAD no frequency). This variant has not been reported in the literature in individuals affected with MSH6-related conditions. ClinVar contains an entry for this variant (Variation ID: 1797953). Invitae Evidence Modeling of protein sequence and biophysical properties (such as structural, functional, and spatial information, amino acid conservation, physicochemical variation, residue mobility, and thermodynamic stability) has been performed for this missense variant. However, the output from this modeling did not meet the statistical confidence thresholds required to predict the impact of this variant on MSH6 protein function. In summary, the available evidence is currently insufficient to determine the role of this variant in disease. Therefore, it has been classified as a Variant of Uncertain Significance.

Ambry Genetics
Classification: Uncertain significance for Hereditary cancer-predisposing syndrome. Last evaluated: 2025-03-06. Review status: criteria provided, single submitter. Criteria: Ambry Variant Classification Scheme 2023. Collection method: clinical testing. Allele origin: germline.
Comment: The p.P982T variant (also known as c.2944C>A), located in coding exon 4 of the MSH6 gene, results from a C to A substitution at nucleotide position 2944. The proline at codon 982 is replaced by threonine, an amino acid with highly similar properties. This variant was detected in 0 of 1292 individuals with biliary tract cancer and 1 of 37583 controls without a personal or family history of cancer (Okawa Y et al. J Hepatol, 2023 Feb;78:333-342). This amino acid position is highly conserved in available vertebrate species. In addition, this alteration is predicted to be deleterious by in silico analysis. Based on the available evidence, the clinical significance of this variant remains unclear.

Literature cited by the submitters: PubMed 36243179 (cited by Ambry Genetics).

NM_000179.3(MSH6):c.2944C>A (p.Pro982Thr)

Gene: MSH6 (mutS homolog 6; plus strand). Cytogenetic location: 2p16.3.
Variant type: single nucleotide variant.
Coding change: c.2944C>A on transcript NM_000179.3 (MANE Select); coding-DNA position 2944, C replaced by A.
Protein change: p.Pro982Thr; replaces proline 982 with threonine.
Molecular consequence: missense variant.
Genome position (GRCh38, 1-based): chr2:47,800,927, C>A. VCF-style: chr2-47800927-C-A. GRCh37 (hg19) VCF-style: chr2-48028066-C-A.
Other names: c.2554C>A, p.Pro852Thr (NM_001281492.2); c.2038C>A, p.Pro680Thr (NM_001281493.2, NM_001281494.2, NM_001406811.1 and 6 more transcripts); c.3040C>A, p.Pro1014Thr (NM_001406795.1, NM_001406802.1); c.2944C>A, p.Pro982Thr (NM_001406796.1, NM_001406798.1, NM_001406800.1 and 2 more transcripts); c.2647C>A, p.Pro883Thr (NM_001406797.1, NM_001406801.1, NM_001406805.1 and 10 more transcripts); c.2419C>A, p.Pro807Thr (NM_001406799.1, NM_001406806.1, NM_001406807.1); c.2866C>A, p.Pro956Thr (NM_001406804.1); c.2950C>A, p.Pro984Thr (NM_001406813.1); and 2 more; short protein forms P807T, P926T, P1014T, P883T, P984T, P297T, P852T, P956T.
Identifiers: ClinVar variation 1797953 (VCV001797953.4), dbSNP rs1553414320, ClinGen allele CA346756229.